The following is an entry in ClinVar:

ClinVar aggregate classification (germline): Uncertain significance. Review status: criteria provided, multiple submitters, no conflicts (2 of 4 stars). 2 submissions from 2 submitters: Uncertain significance (2). Last evaluated 2024-01-23.

Conditions:
Pancreatic cancer, susceptibility to, 1. Identifiers: Orphanet 1333, MedGen C1847351, MONDO:0011739, OMIM 606856.

Submissions (2):

Fulgent Genetics
Classification: Uncertain significance for Pancreatic cancer, susceptibility to, 1. Last evaluated: 2024-01-23. Review status: criteria provided, single submitter. Criteria: ACMG Guidelines, 2015. Collection method: clinical testing. Allele origin: germline.

Ambry Genetics
Classification: Uncertain significance. Last evaluated: 2022-06-15. Review status: criteria provided, single submitter. Criteria: Ambry Variant Classification Scheme 2023. Collection method: clinical testing. Allele origin: germline.
Comment: The p.N190S variant (also known as c.569A>G), located in coding exon 1 of the PALLD gene, results from an A to G substitution at nucleotide position 569. The asparagine at codon 190 is replaced by serine, an amino acid with highly similar properties. This amino acid position is conserved. In addition, this alteration is predicted to be tolerated by in silico analysis. Since supporting evidence is limited at this time, the clinical significance of this alteration remains unclear.

NM_001166108.2(PALLD):c.569A>G (p.Asn190Ser)

Gene: PALLD (palladin, cytoskeletal associated protein; plus strand). Cytogenetic location: 4q32.3.
Variant type: single nucleotide variant.
Coding change: c.569A>G on transcript NM_001166108.2 (MANE Select); coding-DNA position 569, A replaced by G.
Protein change: p.Asn190Ser; replaces asparagine 190 with serine.
Molecular consequence: missense variant.
Genome position (GRCh38, 1-based): chr4:168,512,073, A>G. VCF-style: chr4-168512073-A-G. GRCh37 (hg19) VCF-style: chr4-169433224-A-G.
Other names: c.569A>G, p.Asn190Ser (NM_016081.4); short protein forms N190S.
Identifiers: ClinVar variation 1749120 (VCV001749120.3), dbSNP rs2531433996, ClinGen allele CA358726307.